The following is an entry in ClinVar:

Single allele

Genes: LOC105375976 (uncharacterized LOC105375976; minus strand), LOC121811699 (Sharpr-MPRA regulatory region 1681; plus strand). Cytogenetic location: 9p23.
Variant type: Deletion.
Identifiers: ClinVar variation 157137 (VCV000157137.2).

ClinVar aggregate classification (germline): not provided (0 of 4 stars; one submission).

Conditions:
Gestational diabetes mellitus uncontrolled. Identifiers: MedGen C3532257.

Submission:

Institute of Molecular and Cell Biology, University of Tartu
No classification provided. Condition: Gestational diabetes mellitus uncontrolled. Review status: no classification provided. Collection method: case-control. Allele origin: unknown. Affected: yes. Study: Kasak2014.
Comment: The study aimed to determine the contribution of copy number variants in the genetic etiology of normal and complicated pregnancies. The samples represented (i) maternal blood DNA drawn from healthy pregnant women during 1st or 2nd trimester and (ii) maternal and paternal blood DNA drawn at term pregnancy cases representing normal and complicated gestations (severe preeclampsia, PE; gestational diabetes, GD; small-for-gestational age newborn, SGA; large-for-gestational age newborn, LGA). We performed CNV calling based on genome-wide genotyping dataset (Illumina HumanOmniExpress-24-v1 BeadChip) by applying three algorithms, QuantiSNP, GADA (Genome Alteration Detection Algorithm) and CNstream in parallel. The acquired CNV calls were merged with HD-CNV (Hotspot Detector for Copy Number Variants) program and only the CNVs predicted by at least two programs, were considered in subsequent analysis.

Literature cited by the submitters: PubMed 25666259.